The following is an entry in ClinVar:

NM_025074.7(FRAS1):c.10558G>T (p.Val3520Leu)

Gene: FRAS1 (Fraser extracellular matrix complex subunit 1; plus strand). Cytogenetic location: 4q21.21.
Variant type: single nucleotide variant.
Coding change: c.10558G>T on transcript NM_025074.7 (MANE Select); coding-DNA position 10558, G replaced by T.
Protein change: p.Val3520Leu; replaces valine 3520 with leucine.
Molecular consequence: missense variant.
Genome position (GRCh38, 1-based): chr4:78,521,540, G>T. VCF-style: chr4-78521540-G-T. GRCh37 (hg19) VCF-style: chr4-79442694-G-T.
Other names: short protein forms V3520L.
Identifiers: ClinVar variation 2571699 (VCV002571699.4), dbSNP rs375021853, ClinGen allele CA2979009.
Genomic context (GRCh38, chr4:78,521,540, plus strand): 5'-AATTTTCCATGCCCTAGCATTTTCTCTCTGCTTTCCTGCCCAGGAATCCAGACAGACAGC[G>T]TGCTCTCTGCAAGGCTTCAGATAATAAGAATCTACATTCGAGAGGATGGCCGTCTTGTCA-3'
Protein context (NP_079350.5, residues 3510-3530): LWRTGIQTDS[Val3520Leu]LSARLQIIRI

ClinVar aggregate classification (germline): Uncertain significance. Review status: criteria provided, multiple submitters, no conflicts (2 of 4 stars). 3 submissions from 3 submitters: Uncertain significance (2). 1 of the submissions does not count toward it. Last evaluated 2022-12-27.

Conditions:
FRAS1-related disorder. Also called: FRAS1-related condition.

Allele frequency attached by ClinVar (database versions not stated): ESP Exome Variant Server 0.00008; 1000 Genomes Project 0.00020; 1000 Genomes Project 30x 0.00031.
gnomAD v4.1: 22 of 1,609,326 alleles (0.0014%); highest among the groups gnomAD compares: Non-Finnish European, 0.0019%; no homozygotes.

Submissions (3):

GeneDx
Classification: Uncertain significance. Last evaluated: 2022-12-27. Review status: criteria provided, single submitter. Criteria: GeneDx Variant Classification Process June 2021. Collection method: clinical testing. Allele origin: germline. Affected: yes.
Comment: Not observed at significant frequency in large population cohorts (gnomAD); In silico analysis supports that this missense variant does not alter protein structure/function; Has not been previously published as pathogenic or benign to our knowledge

Blueprint Genetics
Classification: Uncertain significance. Last evaluated: 2022-11-23. Review status: criteria provided, single submitter. Criteria: ACMG Guidelines, 2015. Collection method: clinical testing. Allele origin: germline.

PreventionGenetics, part of Exact Sciences
Classification: Uncertain significance for FRAS1-related condition. Last evaluated: 2024-02-15. Review status: no assertion criteria provided. Collection method: clinical testing. Allele origin: germline. Not counted in ClinVar's aggregate classification.
Comment: The FRAS1 c.10558G>T variant is predicted to result in the amino acid substitution p.Val3520Leu. To our knowledge, this variant has not been reported in the literature. This variant is reported in 0.0024% of alleles in individuals of European (Non-Finnish) descent in gnomAD. At this time, the clinical significance of this variant is uncertain due to the absence of conclusive functional and genetic evidence.